The following is an entry in ClinVar:

NM_138694.4(PKHD1):c.3560G>A (p.Gly1187Glu)

Gene: PKHD1 (PKHD1 ciliary IPT domain containing fibrocystin/polyductin; minus strand). Cytogenetic location: 6p12.2.
Variant type: single nucleotide variant.
Coding change: c.3560G>A on transcript NM_138694.4 (MANE Select); coding-DNA position 3560, G replaced by A.
Protein change: p.Gly1187Glu; replaces glycine 1187 with glutamic acid.
Molecular consequence: missense variant.
Genome position (GRCh38, 1-based): chr6:52,028,156, C>T on the plus strand (G>A on the coding strand, the complement: PKHD1 is on the minus strand). VCF-style: chr6-52028156-C-T. GRCh37 (hg19) VCF-style: chr6-51892954-C-T.
Other names: c.3560G>A, p.Gly1187Glu (NM_170724.3); short protein forms G1187E.
Identifiers: ClinVar variation 4983013 (VCV004983013.1).

ClinVar aggregate classification (germline): Uncertain significance (1 of 4 stars; one submission).

Conditions:
PKHD1-related disorder. Also called: PKHD1-related condition.

gnomAD v4.1: 3 of 1,613,600 alleles (0.00019%); highest among the groups gnomAD compares: African/African-American, 0.0013%; no homozygotes.

Submission:

PreventionGenetics, part of Exact Sciences
Classification: Uncertain significance for PKHD1-related condition. Last evaluated: 2025-09-08. Review status: criteria provided, single submitter. Criteria: ACMG Guidelines, 2015. Collection method: clinical testing. Allele origin: germline.
Comment: The PKHD1 c.3560G>A variant is predicted to result in the amino acid substitution p.Gly1187Glu. This nucleotide change is located at the last base of exon 30 and is predicted to significantly weaken the nearby normal splice donor site signal (Alamut Visual Plus v1.6.1; SpliceAI, Jaganathan et al. 2019. PubMed ID: 30661751). However, the use of computer prediction programs is not equivalent to functional evidence. To our knowledge, this variant has not been reported in the literature or in a large population database (gnomAD), indicating this variant is rare. Although we suspect that this variant may be pathogenic, at this time, the clinical significance of this variant is uncertain due to the absence of conclusive functional and genetic evidence.